The following is an entry in ClinVar:

ClinVar aggregate classification (germline): Uncertain significance (1 of 4 stars; one submission).

Conditions:
Cortical dysplasia-focal epilepsy syndrome (PTHSL1). Also called: Pitt-Hopkins-like syndrome 1. Identifiers: Orphanet 163681, Orphanet 221150, MedGen C2750246, MONDO:0012400, OMIM 610042.

Allele frequency attached by ClinVar (database versions not stated): gnomAD exomes below 0.00001.
gnomAD v4.1: 2 of 1,614,136 alleles (0.00012%); highest among the groups gnomAD compares: Middle Eastern, 0.016%; no homozygotes.

Submission:

Labcorp Genetics (formerly Invitae), Labcorp
Classification: Uncertain significance for Cortical dysplasia-focal epilepsy syndrome. Last evaluated: 2021-06-24. Review status: criteria provided, single submitter. Criteria: Invitae Variant Classification Sherloc (09022015). Collection method: clinical testing. Allele origin: germline.
Comment: This variant is not present in population databases (ExAC no frequency). This sequence change replaces threonine with serine at codon 676 of the CNTNAP2 protein (p.Thr676Ser). The threonine residue is highly conserved and there is a small physicochemical difference between threonine and serine. This variant has not been reported in the literature in individuals with CNTNAP2-related conditions. Algorithms developed to predict the effect of missense changes on protein structure and function are either unavailable or do not agree on the potential impact of this missense change (SIFT: "Deleterious"; PolyPhen-2: "Benign"; Align-GVGD: "Class C0"). In summary, the available evidence is currently insufficient to determine the role of this variant in disease. Therefore, it has been classified as a Variant of Uncertain Significance.

NM_014141.6(CNTNAP2):c.2027C>G (p.Thr676Ser)

Gene: CNTNAP2 (contactin associated protein 2; plus strand). Cytogenetic location: 7q35.
Variant type: single nucleotide variant.
Coding change: c.2027C>G on transcript NM_014141.6 (MANE Select); coding-DNA position 2027, C replaced by G.
Protein change: p.Thr676Ser; replaces threonine 676 with serine.
Molecular consequence: missense variant.
Genome position (GRCh38, 1-based): chr7:147,639,235, C>G. VCF-style: chr7-147639235-C-G. GRCh37 (hg19) VCF-style: chr7-147336327-C-G.
Other names: short protein forms T676S.
Identifiers: ClinVar variation 1348158 (VCV001348158.8), dbSNP rs1231712699, ClinGen allele CA369926324.